The following is an entry in ClinVar:

NM_015178.3(RHOBTB2):c.1908C>G (p.Cys636Trp)

Gene: RHOBTB2 (Rho related BTB domain containing 2; plus strand). Cytogenetic location: 8p21.3.
Variant type: single nucleotide variant.
Coding change: c.1908C>G on transcript NM_015178.3 (MANE Select); coding-DNA position 1908, C replaced by G.
Protein change: p.Cys636Trp; replaces cysteine 636 with tryptophan.
Molecular consequence: missense variant.
Genome position (GRCh38, 1-based): chr8:23,015,685, C>G. VCF-style: chr8-23015685-C-G. GRCh37 (hg19) VCF-style: chr8-22873198-C-G.
Other names: c.1974C>G, p.Cys658Trp (NM_001160036.2); c.1929C>G, p.Cys643Trp (NM_001160037.2); c.1908C>G, p.Cys636Trp (NM_001374791.1); short protein forms C643W, C636W, C658W.
Identifiers: ClinVar variation 4744026 (VCV004744026.1).

ClinVar aggregate classification (germline): Uncertain significance (1 of 4 stars; one submission).

gnomAD v4.1: 8 of 1,614,000 alleles (0.0005%); highest among the groups gnomAD compares: Non-Finnish European, 0.00059%; no homozygotes.

Submission:

Labcorp Genetics (formerly Invitae), Labcorp
Classification: Uncertain significance. Last evaluated: 2025-08-04. Review status: criteria provided, single submitter. Criteria: Invitae Variant Classification Sherloc (09022015). Collection method: clinical testing. Allele origin: germline.
Comment: This sequence change replaces cysteine, which is neutral and slightly polar, with tryptophan, which is neutral and slightly polar, at codon 658 of the RHOBTB2 protein (p.Cys658Trp). This variant is present in population databases (no rsID available, gnomAD 0.006%). This variant has not been reported in the literature in individuals affected with RHOBTB2-related conditions. Invitae Evidence Modeling of protein sequence and biophysical properties (such as structural, functional, and spatial information, amino acid conservation, physicochemical variation, residue mobility, and thermodynamic stability) indicates that this missense variant is not expected to disrupt RHOBTB2 protein function with a negative predictive value of 80%. In summary, the available evidence is currently insufficient to determine the role of this variant in disease. Therefore, it has been classified as a Variant of Uncertain Significance.